The following is an entry in ClinVar:

ClinVar aggregate classification (germline): Uncertain significance. Review status: criteria provided, multiple submitters, no conflicts (2 of 4 stars). 3 submissions from 3 submitters: Uncertain significance (3). Last evaluated 2025-09-08.

Conditions:
Cardiovascular phenotype. Identifiers: MedGen CN230736.

Allele frequency attached by ClinVar (database versions not stated): TOPMed 0.00002.
gnomAD v4.1: 19 of 1,550,234 alleles (0.0012%); highest among the groups gnomAD compares: Non-Finnish European, 0.0016%; no homozygotes.

Submissions (3):

Women's Health and Genetics/Laboratory Corporation of America, LabCorp
Classification: Uncertain significance. Last evaluated: 2025-09-08. Review status: criteria provided, single submitter. Criteria: LabCorp Variant Classification Summary - May 2015. Collection method: clinical testing. Allele origin: germline.
Comment: Variant summary: ZNF469 c.5798C>T (p.Pro1933Leu) results in a non-conservative amino acid change in the encoded protein sequence. Algorithms developed to predict the effect of missense changes on protein structure and function are either unavailable or do not agree on the potential impact of this missense change. The variant allele was found at a frequency of 1.3e-05 in 152400 control chromosomes. The available data on variant occurrences in the general population are insufficient to allow any conclusion about variant significance. To our knowledge, no occurrence of c.5798C>T in individuals affected with ZNF469-related conditions and no experimental evidence demonstrating its impact on protein function have been reported. ClinVar contains an entry for this variant (Variation ID: 1749254). Based on the evidence outlined above, the variant was classified as uncertain significance.

CeGaT Center for Human Genetics Tuebingen
Classification: Uncertain significance. Last evaluated: 2024-01-01. Review status: criteria provided, single submitter. Criteria: CeGaT Center For Human Genetics Tuebingen Variant Classification Criteria Version 2. Collection method: clinical testing. Allele origin: germline. Affected: yes. Observed: 1 variant allele.
Comment: ZNF469: PM2, BP4

Ambry Genetics
Classification: Uncertain significance for Cardiovascular phenotype. Last evaluated: 2019-09-21. Review status: criteria provided, single submitter. Criteria: Ambry Variant Classification Scheme 2023. Collection method: clinical testing. Allele origin: germline.
Comment: The p.P1905L variant (also known as c.5714C>T), located in coding exon 2 of the ZNF469 gene, results from a C to T substitution at nucleotide position 5714. The proline at codon 1905 is replaced by leucine, an amino acid with similar properties. This amino acid position is poorly conserved in available vertebrate species. In addition, this alteration is predicted to be tolerated by in silico analysis. Since supporting evidence is limited at this time, the clinical significance of this alteration remains unclear.

NM_001367624.2(ZNF469):c.5798C>T (p.Pro1933Leu)

Gene: ZNF469 (zinc finger protein 469; plus strand). Cytogenetic location: 16q24.2.
Variant type: single nucleotide variant.
Coding change: c.5798C>T on transcript NM_001367624.2 (MANE Select); coding-DNA position 5798, C replaced by T.
Protein change: p.Pro1933Leu; replaces proline 1933 with leucine.
Molecular consequence: missense variant.
Genome position (GRCh38, 1-based): chr16:88,433,268, C>T. VCF-style: chr16-88433268-C-T. GRCh37 (hg19) VCF-style: chr16-88499676-C-T.
Other names: NM_001127464.1:c.5714C>T; short protein forms P1933L.
Identifiers: ClinVar variation 1749254 (VCV001749254.24), dbSNP rs914107386, ClinGen allele CA286380866.